The following is an entry in ClinVar:

NM_021927.3(GUF1):c.1835+1G>A

Gene: GUF1 (GTP binding elongation factor GUF1; plus strand). Cytogenetic location: 4p12.
Variant type: single nucleotide variant.
Coding change: c.1835+1G>A on transcript NM_021927.3 (MANE Select); the canonical splice donor site of the intron after coding-DNA position 1835, G replaced by A.
Molecular consequence: splice donor variant. On other transcripts: intron variant (1).
Genome position (GRCh38, 1-based): chr4:44,695,735, G>A. VCF-style: chr4-44695735-G-A. GRCh37 (hg19) VCF-style: chr4-44697752-G-A.
Other names: c.1715+1222G>A (NM_001345868.2); c.863+1G>A (NM_001345867.2, NM_001345869.2).
Identifiers: ClinVar variation 3607891 (VCV003607891.2).
Genomic context (GRCh38, chr4:44,695,735, plus strand): 5'-GCAACTGTTTGAGATAGCAATTCAAGCTGCTATTGGAAGTAAAATCATTGCAAGAGAAAC[G>A]TGAGTTGAAATTCATTTTTGGTCTTGAGCCAGTTTCAGAAATGATATACCTAAAAAGTGA-3'

ClinVar aggregate classification (germline): Uncertain significance (1 of 4 stars; one submission).

Submission:

Labcorp Genetics (formerly Invitae), Labcorp
Classification: Uncertain significance. Last evaluated: 2024-12-08. Review status: criteria provided, single submitter. Criteria: Invitae Variant Classification Sherloc (09022015). Collection method: clinical testing. Allele origin: germline.
Comment: This sequence change affects a donor splice site in intron 15 of the GUF1 gene. It is expected to disrupt RNA splicing. Variants that disrupt the donor or acceptor splice site typically lead to a loss of protein function (PMID: 16199547), however the current clinical and genetic evidence is not sufficient to establish whether loss-of-function variants in GUF1 cause disease. This variant is present in population databases (rs569172138, gnomAD 0.007%). This variant has not been reported in the literature in individuals affected with GUF1-related conditions. Algorithms developed to predict the effect of sequence changes on RNA splicing suggest that this variant may disrupt the consensus splice site. In summary, the available evidence is currently insufficient to determine the role of this variant in disease. Therefore, it has been classified as a Variant of Uncertain Significance.

Literature cited by the submitters: PubMed 16199547.